The following is an entry in ClinVar:

ClinVar aggregate classification (germline): Uncertain significance (1 of 4 stars; one submission).

Submission:

Labcorp Genetics (formerly Invitae), Labcorp
Classification: Uncertain significance. Last evaluated: 2020-09-09. Review status: criteria provided, single submitter. Criteria: Invitae Variant Classification Sherloc (09022015). Collection method: clinical testing. Allele origin: germline.
Comment: In summary, the available evidence is currently insufficient to determine the role of this variant in disease. Therefore, it has been classified as a Variant of Uncertain Significance. Algorithms developed to predict the effect of missense changes on protein structure and function (SIFT, PolyPhen-2, Align-GVGD) all suggest that this variant is likely to be tolerated, but these predictions have not been confirmed by published functional studies and their clinical significance is uncertain. This variant has not been reported in the literature in individuals with DHX38-related conditions. This variant is not present in population databases (ExAC no frequency). This sequence change replaces threonine with isoleucine at codon 450 of the DHX38 protein (p.Thr450Ile). The threonine residue is moderately conserved and there is a moderate physicochemical difference between threonine and isoleucine.

NM_014003.4(DHX38):c.1349C>T (p.Thr450Ile)

Gene: DHX38 (DEAH-box helicase 38; plus strand). Cytogenetic location: 16q22.2.
Variant type: single nucleotide variant.
Coding change: c.1349C>T on transcript NM_014003.4 (MANE Select); coding-DNA position 1349, C replaced by T.
Protein change: p.Thr450Ile; replaces threonine 450 with isoleucine.
Molecular consequence: missense variant.
Genome position (GRCh38, 1-based): chr16:72,101,156, C>T. VCF-style: chr16-72101156-C-T. GRCh37 (hg19) VCF-style: chr16-72135055-C-T.
Other names: short protein forms T450I.
Identifiers: ClinVar variation 1025803 (VCV001025803.8), dbSNP rs2042094559, ClinGen allele CA396706134.
Genomic context (GRCh38, chr16:72,101,156, plus strand): 5'-TGATTCCAGTGAAGGATGCTACTTCTGACCTGGCCATCATTGCTCGGAAAGGCAGCCAGA[C>T]AGTGCGGAAGCACAGGGAGCAGAAGGAGCGCAAGAAGGTTGGTTTCTTGGTTTCGTGGCT-3'
Protein context (NP_054722.2, residues 440-460): LAIIARKGSQ[Thr450Ile]VRKHREQKER